The following is an entry in ClinVar:

NM_017780.4(CHD7):c.1832C>G (p.Pro611Arg)

Genes: CHD7 (chromodomain helicase DNA binding protein 7; plus strand), LOC126860403 (CDK7 strongly-dependent group 2 enhancer GRCh37_chr8:61693034-61694233; plus strand). Cytogenetic location: 8q12.2.
Variant type: single nucleotide variant.
Coding change: c.1832C>G on transcript NM_017780.4 (MANE Select); coding-DNA position 1832, C replaced by G.
Protein change: p.Pro611Arg; replaces proline 611 with arginine.
Molecular consequence: missense variant. On other transcripts: intron variant (1).
Genome position (GRCh38, 1-based): chr8:60,781,166, C>G. VCF-style: chr8-60781166-C-G. GRCh37 (hg19) VCF-style: chr8-61693725-C-G.
Other names: c.1716+116C>G (NM_001316690.1); short protein forms P611R.
Identifiers: ClinVar variation 4765186 (VCV004765186.1).
Genomic context (GRCh38, chr8:60,781,166, plus strand): 5'-AACAGCAGCCACAACAAAAGAAGAAGAAAAAGAAAAACAACCACATTGTAGCAGAGGATC[C>G]CAGTAAAGGTTTTGGTAAAGATGACTTCCCTGGTGGGGTAGATAACCAAGAACTAAATAG-3'
Protein context (NP_060250.2, residues 601-621): KKNNHIVAED[Pro611Arg]SKGFGKDDFP

ClinVar aggregate classification (germline): Uncertain significance (1 of 4 stars; one submission).

Conditions:
CHARGE syndrome (CHARGE). Also called: Hittner Hirsch Kreh syndrome; CHARGE ASSOCIATION--COLOBOMA, HEART ANOMALY, CHOANAL ATRESIA, RETARDATION, GENITAL AND EAR ANOMALIES; Coloboma, heart anomaly, choanal atresia, retardation, genital and ear anomalies; CHARGE association; Hall-Hittner syndrome. Identifiers: Orphanet 138, MedGen C0265354, MONDO:0008965.

gnomAD v4.1: 1 of 1,607,098 alleles (0.000062%); highest among the groups gnomAD compares: South Asian, 0.0011%; no homozygotes.

Submission:

Labcorp Genetics (formerly Invitae), Labcorp
Classification: Uncertain significance for CHARGE syndrome. Last evaluated: 2025-07-10. Review status: criteria provided, single submitter. Criteria: Invitae Variant Classification Sherloc (09022015). Collection method: clinical testing. Allele origin: germline.
Comment: This sequence change replaces proline, which is neutral and non-polar, with arginine, which is basic and polar, at codon 611 of the CHD7 protein (p.Pro611Arg). This variant is not present in population databases (gnomAD no frequency). This variant has not been reported in the literature in individuals affected with CHD7-related conditions. Invitae Evidence Modeling of protein sequence and biophysical properties (such as structural, functional, and spatial information, amino acid conservation, physicochemical variation, residue mobility, and thermodynamic stability) indicates that this missense variant is not expected to disrupt CHD7 protein function with a negative predictive value of 95%. In summary, the available evidence is currently insufficient to determine the role of this variant in disease. Therefore, it has been classified as a Variant of Uncertain Significance.